The following is an entry in ClinVar:

ClinVar aggregate classification (germline): Benign (0 of 4 stars; one submission).

Conditions:
POU6F2-related disorder. Also called: POU6F2-related condition.

Allele frequency attached by ClinVar (database versions not stated): ESP Exome Variant Server 0.15263; gnomAD exomes 0.16756; TOPMed 0.17924; gnomAD 0.18043; ExAC 0.23345; 1000 Genomes Project 30x 0.26577; 1000 Genomes Project 0.27037.
gnomAD v4.1: 271,256 of 1,605,356 alleles (17%); highest among the groups gnomAD compares: East Asian, 57%; 27,627 homozygotes.

Submission:

PreventionGenetics, part of Exact Sciences
Classification: Benign for POU6F2-related condition. Last evaluated: 2019-10-21. Review status: no assertion criteria provided. Collection method: clinical testing. Allele origin: germline.
Comment: This variant is classified as benign based on ACMG/AMP sequence variant interpretation guidelines (Richards et al. 2015 PMID: 25741868, with internal and published modifications).

NM_001370959.1(POU6F2):c.683C>T (p.Pro228Leu)

Gene: POU6F2 (POU class 6 homeobox 2; plus strand). Cytogenetic location: 7p14.1.
Variant type: single nucleotide variant.
Coding change: c.683C>T on transcript NM_001370959.1 (MANE Select); coding-DNA position 683, C replaced by T.
Protein change: p.Pro228Leu; replaces proline 228 with leucine.
Molecular consequence: missense variant.
Genome position (GRCh38, 1-based): chr7:39,339,726, C>T. VCF-style: chr7-39339726-C-T. GRCh37 (hg19) VCF-style: chr7-39379325-C-T.
Other names: c.596C>T, p.Pro199Leu (NM_001166018.2, NM_007252.4); short protein forms P199L, P228L.
Identifiers: ClinVar variation 3059868 (VCV003059868.2), dbSNP rs2074936, ClinGen allele CA4227595.